The following is an entry in ClinVar:

NM_006767.4(LZTR1):c.2422A>C (p.Thr808Pro)

Gene: LZTR1 (leucine zipper like post translational regulator 1; plus strand). Cytogenetic location: 22q11.21.
Variant type: single nucleotide variant.
Coding change: c.2422A>C on transcript NM_006767.4 (MANE Select); coding-DNA position 2422, A replaced by C.
Protein change: p.Thr808Pro; replaces threonine 808 with proline.
Molecular consequence: missense variant.
Genome position (GRCh38, 1-based): chr22:20,997,247, A>C. VCF-style: chr22-20997247-A-C. GRCh37 (hg19) VCF-style: chr22-21351536-A-C.
Other names: short protein forms T808P.
Identifiers: ClinVar variation 1791036 (VCV001791036.8), dbSNP rs747370262, ClinGen allele CA10119457.

ClinVar aggregate classification (germline): Uncertain significance. Review status: criteria provided, multiple submitters, no conflicts (2 of 4 stars). 3 submissions from 3 submitters: Uncertain significance (3). Last evaluated 2024-08-28.

Conditions:
Hereditary cancer-predisposing syndrome. Also called: Hereditary Cancer Syndrome; Hereditary neoplastic syndrome; Tumor predisposition; Neoplastic Syndromes, Hereditary. Identifiers: Orphanet 140162, MedGen C0027672, MeSH D009386, MONDO:0015356.
Cardiovascular phenotype. Identifiers: MedGen CN230736.

Allele frequency attached by ClinVar (database versions not stated): gnomAD exomes below 0.00001; TOPMed below 0.00001; ExAC 0.00001; gnomAD 0.00001.
gnomAD v4.1: 8 of 1,613,302 alleles (0.0005%); highest among the groups gnomAD compares: Non-Finnish European, 0.00025%; no homozygotes.

Submissions (3):

Labcorp Genetics (formerly Invitae), Labcorp
Classification: Uncertain significance. Last evaluated: 2024-08-28. Review status: criteria provided, single submitter. Criteria: Invitae Variant Classification Sherloc (09022015). Collection method: clinical testing. Allele origin: germline.
Comment: This sequence change replaces threonine, which is neutral and polar, with proline, which is neutral and non-polar, at codon 808 of the LZTR1 protein (p.Thr808Pro). This variant is present in population databases (rs747370262, gnomAD 0.02%). This variant has not been reported in the literature in individuals affected with LZTR1-related conditions. ClinVar contains an entry for this variant (Variation ID: 1791036). Invitae Evidence Modeling of protein sequence and biophysical properties (such as structural, functional, and spatial information, amino acid conservation, physicochemical variation, residue mobility, and thermodynamic stability) indicates that this missense variant is not expected to disrupt LZTR1 protein function with a negative predictive value of 80%. In summary, the available evidence is currently insufficient to determine the role of this variant in disease. Therefore, it has been classified as a Variant of Uncertain Significance.

GeneDx
Classification: Uncertain significance. Last evaluated: 2024-08-22. Review status: criteria provided, single submitter. Criteria: GeneDx Variant Classification Process June 2021. Collection method: clinical testing. Allele origin: germline. Affected: yes.
Comment: Not observed at significant frequency in large population cohorts (gnomAD); In silico analysis indicates that this missense variant does not alter protein structure/function; Has not been previously published as pathogenic or benign to our knowledge

Ambry Genetics
Classification: Uncertain significance for Cardiovascular phenotype; Hereditary cancer-predisposing syndrome. Last evaluated: 2023-10-13. Review status: criteria provided, single submitter. Criteria: Ambry Variant Classification Scheme 2023. Collection method: clinical testing. Allele origin: germline.
Comment: The p.T808P variant (also known as c.2422A>C), located in coding exon 21 of the LZTR1 gene, results from an A to C substitution at nucleotide position 2422. The threonine at codon 808 is replaced by proline, an amino acid with highly similar properties. This amino acid position is not well conserved in available vertebrate species. In addition, this alteration is predicted to be tolerated by in silico analysis. Since supporting evidence is limited at this time, the clinical significance of this alteration remains unclear.